The following is an entry in ClinVar:

NM_000334.4(SCN4A):c.968C>T (p.Thr323Met)

Gene: SCN4A (sodium voltage-gated channel alpha subunit 4; minus strand). Cytogenetic location: 17q23.3.
Variant type: single nucleotide variant.
Coding change: c.968C>T on transcript NM_000334.4 (MANE Select); coding-DNA position 968, C replaced by T.
Protein change: p.Thr323Met; replaces threonine 323 with methionine.
Molecular consequence: missense variant.
Genome position (GRCh38, 1-based): chr17:63,968,091, G>A on the plus strand (C>T on the coding strand, the complement: SCN4A is on the minus strand). VCF-style: chr17-63968091-G-A. GRCh37 (hg19) VCF-style: chr17-62045451-G-A.
Other names: short protein forms T323M.
Identifiers: ClinVar variation 21162 (VCV000021162.55), dbSNP rs80338952, ClinGen allele CA341681.

ClinVar aggregate classification (germline): Benign/Likely benign. Review status: criteria provided, multiple submitters, no conflicts (2 of 4 stars). 20 submissions from 16 submitters: Benign (8); Likely benign (9). 3 of the submissions do not count toward it. Last evaluated 2026-09-01.

Conditions:
Congenital myasthenic syndrome 16. Identifiers: Orphanet 590, MedGen C3280112, MONDO:0013620, OMIM 614198.
Hyperkalemic periodic paralysis. Also called: Gamstorp disease; Familial hyperkalemic periodic paralysis. Identifiers: Orphanet 682, MedGen C0238357, MONDO:0008224, OMIM 170500, HP:0007215.
Paramyotonia congenita of Von Eulenburg. Also called: Eulenburg disease; Myotonia congenita intermittens; Von Eulenburg paramyotonia congenita; Paramyotonia Congenita; PARALYSIS PERIODICA PARAMYOTONICA. Identifiers: Orphanet 684, MedGen C0221055, MONDO:0008195, OMIM 168300. Disease mechanism: loss of function.
Potassium-aggravated myotonia. Also called: MYOTONIA CONGENITA, ACETAZOLAMIDE-RESPONSIVE; MYOTONIA CONGENITA, ATYPICAL; Myotonia congenita, atypical, acetazolamide-responsive; SODIUM CHANNEL MUSCLE DISEASE. Identifiers: Orphanet 612, Orphanet 99734, Orphanet 99735, Orphanet 99736, MedGen C2931826, MONDO:0018959, OMIM 608390.
Hypokalemic periodic paralysis, type 1. Also called: HypoPP; Hypokalemic Periodic Paralysis Type 1 (AD). Identifiers: Orphanet 681, MedGen C3714580, MONDO:0042979, OMIM 170400.
Hypokalemic periodic paralysis, type 2 (HOKPP2). Identifiers: Orphanet 681, MedGen C2750061, MONDO:0013234, OMIM 613345.

Allele frequency attached by ClinVar (database versions not stated): 1000 Genomes Project 30x 0.00203; 1000 Genomes Project 0.00200; TOPMed 0.00643; ESP Exome Variant Server 0.00655; gnomAD 0.01562.

Submissions (20):

CeGaT Center for Human Genetics Tuebingen
Classification: Benign. Last evaluated: 2026-09-01. Review status: criteria provided, single submitter. Criteria: CeGaT Center For Human Genetics Tuebingen Variant Classification Criteria Version 2. Collection method: clinical testing. Allele origin: germline. Affected: yes. Observed: 59 variant alleles.
Comment: SCN4A: BS1, BS2

Labcorp Genetics (formerly Invitae), Labcorp
Classification: Benign for Hyperkalemic periodic paralysis. Last evaluated: 2026-02-01. Review status: criteria provided, single submitter. Criteria: Invitae Variant Classification Sherloc (09022015). Collection method: clinical testing. Allele origin: germline.

Athena Diagnostics
Classification: Benign. Last evaluated: 2025-06-25. Review status: criteria provided, single submitter. Criteria: Athena Diagnostics Criteria. Collection method: clinical testing. Allele origin: unknown.
Comment: The frequency of this variant in the general population is higher than would generally be expected for pathogenic variants in this gene.

Blueprint Genetics
Classification: Likely benign. Last evaluated: 2024-11-28. Review status: criteria provided, single submitter. Criteria: ACMG Guidelines, 2015. Collection method: clinical testing. Allele origin: germline.

Fulgent Genetics
Classification: Likely benign for Paramyotonia congenita of Von Eulenburg; Hypokalemic periodic paralysis, type 1; Hyperkalemic periodic paralysis; Potassium-aggravated myotonia; Hypokalemic periodic paralysis, type 2; Congenital myasthenic syndrome 16. Last evaluated: 2021-08-19. Review status: criteria provided, single submitter. Criteria: ACMG Guidelines, 2015. Collection method: clinical testing. Allele origin: unknown.

Mayo Clinic Laboratories, Mayo Clinic
Classification: Benign. Last evaluated: 2021-08-02. Review status: criteria provided, single submitter. Criteria: ACMG Guidelines, 2015. Collection method: clinical testing. Allele origin: germline. Observed: 18 variant alleles.

Genetic Services Laboratory, University of Chicago
Classification: Benign. Last evaluated: 2017-09-25. Review status: criteria provided, single submitter. Criteria: ACMG Guidelines, 2015. Collection method: clinical testing. Allele origin: germline. Affected: no.

Illumina Laboratory Services, Illumina
Classification: Likely benign for Paramyotonia congenita of Von Eulenburg. Last evaluated: 2017-04-27. Review status: criteria provided, single submitter. Criteria: ICSL Variant Classification Criteria 13 December 2019. Collection method: clinical testing. Allele origin: germline.
Comment: This variant was observed as part of a predisposition screen in an ostensibly healthy population. A literature search was performed for the gene, cDNA change, and amino acid change (where applicable). No publications were found based on this search. Allele frequency data from public databases allowed determination this variant is unlikely to cause disease. Therefore, this variant is classified as likely benign.

Illumina Laboratory Services, Illumina
Classification: Likely benign for Congenital myasthenic syndrome 16. Last evaluated: 2017-04-27. Review status: criteria provided, single submitter. Criteria: ICSL Variant Classification Criteria 13 December 2019. Collection method: clinical testing. Allele origin: germline.
Comment: the same text as in the submission from Illumina Laboratory Services, Illumina above.

Illumina Laboratory Services, Illumina
Classification: Likely benign for Hypokalemic periodic paralysis, type 2. Last evaluated: 2017-04-27. Review status: criteria provided, single submitter. Criteria: ICSL Variant Classification Criteria 13 December 2019. Collection method: clinical testing. Allele origin: germline.
Comment: the same text as in the submission from Illumina Laboratory Services, Illumina above.

Illumina Laboratory Services, Illumina
Classification: Likely benign for Hyperkalemic periodic paralysis. Last evaluated: 2017-04-27. Review status: criteria provided, single submitter. Criteria: ICSL Variant Classification Criteria 13 December 2019. Collection method: clinical testing. Allele origin: germline.
Comment: the same text as in the submission from Illumina Laboratory Services, Illumina above.

Illumina Laboratory Services, Illumina
Classification: Likely benign for Potassium-aggravated myotonia. Last evaluated: 2017-04-27. Review status: criteria provided, single submitter. Criteria: ICSL Variant Classification Criteria 13 December 2019. Collection method: clinical testing. Allele origin: germline.
Comment: the same text as in the submission from Illumina Laboratory Services, Illumina above.

Center for Pediatric Genomic Medicine, Children's Mercy Hospital and Clinics
Classification: Likely benign. Last evaluated: 2017-03-17. Review status: criteria provided, single submitter. Criteria: ACMG Guidelines, 2015. Collection method: clinical testing. Allele origin: germline.

GeneDx
Classification: Benign. Last evaluated: 2016-03-01. Review status: criteria provided, single submitter. Criteria: GeneDx Variant Classification (06012015). Collection method: clinical testing. Allele origin: germline. Affected: yes.
Comment: This variant is considered likely benign or benign based on one or more of the following criteria: it is a conservative change, it occurs at a poorly conserved position in the protein, it is predicted to be benign by multiple in silico algorithms, and/or has population frequency not consistent with disease.

Eurofins Ntd Llc (ga)
Classification: Benign. Last evaluated: 2015-10-09. Review status: criteria provided, single submitter. Criteria: EGL Classification Definitions 2015. Collection method: clinical testing. Allele origin: germline. Observed: 1 variant allele, 1 heterozygote.

Breakthrough Genomics
Classification: Likely benign. Review status: criteria provided, single submitter. Criteria: ACMG Guidelines, 2015. Collection method: not provided. Allele origin: germline. Inheritance: Autosomal recessive inheritance. Affected: yes.

PreventionGenetics, part of Exact Sciences
Classification: Benign. Review status: criteria provided, single submitter. Criteria: ACMG Guidelines, 2015. Collection method: clinical testing. Allele origin: germline.

GeneReviews
No classification provided. Condition: Hyperkalemic periodic paralysis. Review status: no classification provided. Collection method: literature only. Allele origin: germline. Not counted in ClinVar's aggregate classification.

Genome Diagnostics Laboratory, University Medical Center Utrecht
Classification: Likely benign. Review status: no assertion criteria provided. Collection method: clinical testing. Allele origin: germline. Affected: yes. Study: VKGL Data-share Consensus. Not counted in ClinVar's aggregate classification.

Laboratory of Diagnostic Genome Analysis, Leiden University Medical Center (LUMC)
Classification: Likely benign. Review status: no assertion criteria provided. Collection method: clinical testing. Allele origin: germline. Affected: yes. Study: VKGL Data-share Consensus. Not counted in ClinVar's aggregate classification.

Literature cited by the submitters: PubMed 32849172 (cited by Athena Diagnostics); PubMed 15774523 (cited by Athena Diagnostics and GeneReviews); NCBI Bookshelf NBK1496 (cited by GeneReviews).